The following is an entry in ClinVar:

NM_000271.5(NPC1):c.3322dup (p.Ala1108fs)

Gene: NPC1 (NPC intracellular cholesterol transporter 1; minus strand). Cytogenetic location: 18q11.2.
Variant type: Duplication.
Coding change: c.3322dup on transcript NM_000271.5 (MANE Select); coding-DNA position 3322, one base duplicated (G; older notation c.3322dupG).
Protein change: p.Ala1108fs; shifts the reading frame from alanine 1108.
Molecular consequence: frameshift variant.
Genome position (GRCh38, 1-based): chr18:23,535,624, C duplicated on the plus strand (G on the coding strand, the reverse complement: NPC1 is on the minus strand). VCF-style (leftmost placement, unchanged base first): chr18-23535623-G-GC. GRCh37 (hg19) VCF-style: chr18-21115587-G-GC.
Other names: short protein forms A1108fs.
Identifiers: ClinVar variation 1696116 (VCV001696116.4), dbSNP rs2145351244, ClinGen allele CA2580095546.

ClinVar aggregate classification (germline): Pathogenic/Likely pathogenic. Review status: criteria provided, multiple submitters, no conflicts (2 of 4 stars). 2 submissions from 2 submitters: Pathogenic (1); Likely pathogenic (1). Last evaluated 2022-10-27.

Conditions:
Niemann-Pick disease, type C (NPC). Identifiers: Orphanet 646, MedGen C0220756, MONDO:0018982.
Niemann-Pick disease, type C1. Also called: NEUROVISCERAL STORAGE DISEASE WITH VERTICAL SUPRANUCLEAR OPHTHALMOPLEGIA; NIEMANN-PICK DISEASE WITH CHOLESTEROL ESTERIFICATION BLOCK; NIEMANN-PICK DISEASE WITHOUT SPHINGOMYELINASE DEFICIENCY; NIEMANN-PICK DISEASE, CHRONIC NEURONOPATHIC FORM; NIEMANN-PICK DISEASE, VARIANT TYPE C1. Identifiers: Orphanet 646, MedGen C3179455, MONDO:0009757, OMIM 257220.

Allele frequency attached by ClinVar (database versions not stated): gnomAD exomes below 0.00001.

Submissions (2):

Labcorp Genetics (formerly Invitae), Labcorp
Classification: Pathogenic for Niemann-Pick disease, type C1. Last evaluated: 2022-10-27. Review status: criteria provided, single submitter. Criteria: Invitae Variant Classification Sherloc (09022015). Collection method: clinical testing. Allele origin: germline.
Comment: For these reasons, this variant has been classified as Pathogenic. ClinVar contains an entry for this variant (Variation ID: 1696116). This variant is also known as 3322insG, c.3322dupG. This premature translational stop signal has been observed in individual(s) with Niemann-Pick type C disease (PMID: 11349231, 32138288). This variant is not present in population databases (gnomAD no frequency). This sequence change creates a premature translational stop signal (p.Ala1108Glyfs*13) in the NPC1 gene. It is expected to result in an absent or disrupted protein product. Loss-of-function variants in NPC1 are known to be pathogenic (PMID: 9211850).

Women's Health and Genetics/Laboratory Corporation of America, LabCorp
Classification: Likely pathogenic for Niemann-Pick disease, type C. Last evaluated: 2022-05-23. Review status: criteria provided, single submitter. Criteria: LabCorp Variant Classification Summary - May 2015. Collection method: clinical testing. Allele origin: germline.
Comment: Variant summary: NPC1 c.3322dupG (p.Ala1108GlyfsX13) results in a premature termination codon, predicted to cause a truncation of the encoded protein or absence of the protein due to nonsense mediated decay, which are commonly known mechanisms for disease. Truncations downstream of this position have been classified as pathogenic by our laboratory. The variant was absent in 251468 control chromosomes (gnomAD). c.3322dupG has been reported in the literature in at least one compound heterozygous individual (Sun_2001) and one homozygous individual (Dardis_2020) affected with Niemann-Pick Disease Type C. To our knowledge, no experimental evidence demonstrating an impact on protein function has been reported. No clinical diagnostic laboratories have submitted clinical-significance assessments for this variant to ClinVar after 2014. Based on the evidence outlined above, the variant was classified as likely pathogenic.

Literature cited by the submitters: PubMed 11349231 (cited by Labcorp Genetics (formerly Invitae), Labcorp and Women's Health and Genetics/Laboratory Corporation of America, LabCorp); PubMed 32138288 (cited by Labcorp Genetics (formerly Invitae), Labcorp and Women's Health and Genetics/Laboratory Corporation of America, LabCorp); PubMed 9211850 (cited by Labcorp Genetics (formerly Invitae), Labcorp); PubMed 12955717 (cited by Women's Health and Genetics/Laboratory Corporation of America, LabCorp).